The following is an entry in ClinVar:

NM_004208.4(AIFM1):c.1589C>T (p.Ser530Leu)

Genes: AIFM1 (apoptosis inducing factor mitochondria associated 1; minus strand), RAB33A (RAB33A, member RAS oncogene family; plus strand). Cytogenetic location: Xq26.1.
Variant type: single nucleotide variant.
Coding change: c.1589C>T on transcript NM_004208.4 (MANE Select); coding-DNA position 1589, C replaced by T.
Protein change: p.Ser530Leu; replaces serine 530 with leucine.
Molecular consequence: missense variant. On other transcripts: 3 prime UTR variant (1), non-coding transcript variant (1).
Genome position (GRCh38, 1-based): chrX:130,130,151, G>A on the plus strand (C>T on the coding strand, the complement: AIFM1 is on the minus strand). VCF-style: chrX-130130151-G-A. GRCh37 (hg19) VCF-style: chrX-129264126-G-A.
Other names: c.572C>T, p.Ser191Leu (NM_001130846.4); c.*817C>T (NM_001130847.4); c.1577C>T, p.Ser526Leu (NM_145812.3); short protein forms S191L, S526L, S530L.
Identifiers: ClinVar variation 2932457 (VCV002932457.3), dbSNP rs2030005988, ClinGen allele CA414569760.

ClinVar aggregate classification (germline): Uncertain significance (1 of 4 stars; one submission).

Conditions:
Charcot-Marie-Tooth Neuropathy X. Identifiers: MedGen CN118851.
Combined oxidative phosphorylation deficiency. Identifiers: MedGen C4540031, MONDO:0000732.

Allele frequency attached by ClinVar (database versions not stated): gnomAD exomes below 0.00001.
gnomAD v4.1: 3 of 1,211,935 alleles (0.00025%); highest among the groups gnomAD compares: African/African-American, 0.0017%; no homozygotes.

Submission:

Labcorp Genetics (formerly Invitae), Labcorp
Classification: Uncertain significance for Charcot-Marie-Tooth Neuropathy X; Combined oxidative phosphorylation deficiency. Last evaluated: 2025-07-13. Review status: criteria provided, single submitter. Criteria: Invitae Variant Classification Sherloc (09022015). Collection method: clinical testing. Allele origin: germline.
Comment: This sequence change replaces serine, which is neutral and polar, with leucine, which is neutral and non-polar, at codon 530 of the AIFM1 protein (p.Ser530Leu). This variant is not present in population databases (gnomAD no frequency). This variant has not been reported in the literature in individuals affected with AIFM1-related conditions. ClinVar contains an entry for this variant (Variation ID: 2932457). Invitae Evidence Modeling of protein sequence and biophysical properties (such as structural, functional, and spatial information, amino acid conservation, physicochemical variation, residue mobility, and thermodynamic stability) indicates that this missense variant is expected to disrupt AIFM1 protein function with a positive predictive value of 80%. In summary, the available evidence is currently insufficient to determine the role of this variant in disease. Therefore, it has been classified as a Variant of Uncertain Significance.